The following is an entry in ClinVar:

NM_005477.3(HCN4):c.1672C>T (p.Arg558Cys)

Gene: HCN4 (hyperpolarization activated cyclic nucleotide gated potassium channel 4; minus strand). Cytogenetic location: 15q24.1.
Variant type: single nucleotide variant.
Coding change: c.1672C>T on transcript NM_005477.3 (MANE Select); coding-DNA position 1672, C replaced by T.
Protein change: p.Arg558Cys; replaces arginine 558 with cysteine.
Molecular consequence: missense variant.
Genome position (GRCh38, 1-based): chr15:73,325,363, G>A on the plus strand (C>T on the coding strand, the complement: HCN4 is on the minus strand). VCF-style: chr15-73325363-G-A. GRCh37 (hg19) VCF-style: chr15-73617704-G-A.
Other names: short protein forms R558C.
Identifiers: ClinVar variation 2098571 (VCV002098571.4), dbSNP rs2549070150, ClinGen allele CA393092001.
Genomic context (GRCh38, chr15:73,325,363, plus strand): 5'-GCAGGGGCTCGCTTAGCTCGCCCAGGATGCTCTCCTCGTCGAACATCTTGCCCTGGTAGC[G>A]GTGCTCGTAGTAGTCGTGGATGCGCTGCCGGGTGTCGGGCGGGAGCTTGTGAAAGGACAT-3'
Protein context (NP_005468.1, residues 548-568): RQRIHDYYEH[Arg558Cys]YQGKMFDEES

ClinVar aggregate classification (germline): Uncertain significance (1 of 4 stars; one submission).

Conditions:
Brugada syndrome 8 (BRGDA8). Identifiers: Orphanet 130, MedGen C2751083, MONDO:0013148, OMIM 613123.

Allele frequency attached by ClinVar (database versions not stated): gnomAD exomes below 0.00001.
gnomAD v4.1: 2 of 1,614,130 alleles (0.00012%); highest among the groups gnomAD compares: Non-Finnish European, 0.00017%; no homozygotes.

Submission:

Labcorp Genetics (formerly Invitae), Labcorp
Classification: Uncertain significance for Brugada syndrome 8. Last evaluated: 2022-02-18. Review status: criteria provided, single submitter. Criteria: Invitae Variant Classification Sherloc (09022015). Collection method: clinical testing. Allele origin: germline.
Comment: Advanced modeling of protein sequence and biophysical properties (such as structural, functional, and spatial information, amino acid conservation, physicochemical variation, residue mobility, and thermodynamic stability) performed at Invitae indicates that this missense variant is expected to disrupt HCN4 protein function. This sequence change replaces arginine, which is basic and polar, with cysteine, which is neutral and slightly polar, at codon 558 of the HCN4 protein (p.Arg558Cys). This variant is not present in population databases (gnomAD no frequency). This variant has not been reported in the literature in individuals affected with HCN4-related conditions. In summary, the available evidence is currently insufficient to determine the role of this variant in disease. Therefore, it has been classified as a Variant of Uncertain Significance.